The following is an entry in ClinVar:

NM_001110556.2(FLNA):c.7370C>T (p.Ala2457Val)

Gene: FLNA (filamin A; minus strand). Cytogenetic location: Xq28.
Variant type: single nucleotide variant.
Coding change: c.7370C>T on transcript NM_001110556.2 (MANE Select); coding-DNA position 7370, C replaced by T.
Protein change: p.Ala2457Val; replaces alanine 2457 with valine.
Molecular consequence: missense variant.
Genome position (GRCh38, 1-based): chrX:154,349,831, G>A on the plus strand (C>T on the coding strand, the complement: FLNA is on the minus strand). VCF-style: chrX-154349831-G-A. GRCh37 (hg19) VCF-style: chrX-153578199-G-A.
Other names: p.Ala2449Val; c.7346C>T, p.Ala2449Val (NM_001456.4); short protein forms A2449V, A2457V.
Identifiers: ClinVar variation 2683600 (VCV002683600.1), dbSNP rs1557175391, ClinGen allele CA415182942.

ClinVar aggregate classification (germline): Uncertain significance (1 of 4 stars; one submission).

gnomAD v4.1: 7 of 1,211,285 alleles (0.00058%); highest among the groups gnomAD compares: Admixed American, 0.0022%; no homozygotes.

Submission:

Mayo Clinic Laboratories, Mayo Clinic
Classification: Uncertain significance. Last evaluated: 2022-04-20. Review status: criteria provided, single submitter. Criteria: ACMG Guidelines, 2015. Collection method: clinical testing. Allele origin: germline. Observed: 1 variant allele.
Comment: PP2, PP3